The following is an entry in ClinVar:

ClinVar aggregate classification (germline): Uncertain significance. Review status: no assertion criteria provided (0 of 4 stars). 2 submissions from 1 submitter: Uncertain significance (1). 1 of the submissions does not count toward it.

Allele frequency attached by ClinVar (database versions not stated): gnomAD exomes below 0.00001; TOPMed below 0.00001.
gnomAD v4.1: 1 of 1,613,012 alleles (0.000062%); highest among the groups gnomAD compares: Non-Finnish European, 0.000085%; no homozygotes.

Submissions (2):

Richard Lifton Laboratory, Yale University School of Medicine
Classification: Uncertain significance. Review status: no assertion criteria provided. Collection method: not provided. Allele origin: somatic.
Comment: DNAH11:p.V1358I
ClinVar note: Converted during submission from unknown to Uncertain significance.

Richard Lifton Laboratory, Yale University School of Medicine
Classification: Uncertain significance. Review status: flagged submission. Collection method: not provided. Allele origin: somatic. Not counted in ClinVar's aggregate classification.
ClinVar note: Converted during submission from unknown to Uncertain significance.
ClinVar note: Reason: This record appears to be redundant with a more recent record from the same submitter.
ClinVar note: Notes: SCV000120051 appears to be redundant with SCV000155154.

NM_001277115.2(DNAH11):c.4072G>A (p.Val1358Ile)

Gene: DNAH11 (dynein axonemal heavy chain 11; plus strand). Cytogenetic location: 7p15.3.
Variant type: single nucleotide variant.
Coding change: c.4072G>A on transcript NM_001277115.2 (MANE Select); coding-DNA position 4072, G replaced by A.
Protein change: p.Val1358Ile; replaces valine 1358 with isoleucine.
Molecular consequence: missense variant.
Genome position (GRCh38, 1-based): chr7:21,616,269, G>A. VCF-style: chr7-21616269-G-A. GRCh37 (hg19) VCF-style: chr7-21655887-G-A.
Other names: short protein forms V1358I.
Identifiers: ClinVar variation 100831 (VCV000100831.2), dbSNP rs483352711, ClinGen allele CA229085.